The following is an entry in ClinVar:

ClinVar aggregate classification (germline): Pathogenic. Review status: criteria provided, multiple submitters, no conflicts (2 of 4 stars). 5 submissions from 5 submitters: Pathogenic (4). 1 of the submissions does not count toward it. Last evaluated 2024-03-22.

Conditions:
Lipid proteinosis. Also called: lipoid proteinosis; Lipoid Proteinosis of Urbach and Wiethe; Urbach Wiethe disease; HYALINOSIS CUTIS ET MUCOSAE. Identifiers: Orphanet 530, MedGen C0023795, MONDO:0009530, OMIM 247100.

Allele frequency attached by ClinVar (database versions not stated): gnomAD 0.00002; gnomAD exomes 0.00002 and 0.00004; TOPMed 0.00003; ExAC 0.00004.
gnomAD v4.1: 26 of 1,613,644 alleles (0.0016%); highest among the groups gnomAD compares: East Asian, 0.0045%; 1 homozygote.

Submissions (5):

GeneDx
Classification: Pathogenic. Last evaluated: 2024-03-22. Review status: criteria provided, single submitter. Criteria: GeneDx Variant Classification Process June 2021. Collection method: clinical testing. Allele origin: germline. Affected: yes.
Comment: Nonsense variant predicted to result in protein truncation or nonsense mediated decay in a gene for which loss of function is a known mechanism of disease; This variant is associated with the following publications: (PMID: Sercu2009[Review], Oyama2013[Review], 25525159, 17199583, 25819081, 12603844, 34426522, 31589614, Wu2019[article], 21791056, 31896839, 17927570, 20666665)

Genome-Nilou Lab
Classification: Pathogenic for Lipid proteinosis. Last evaluated: 2023-04-11. Review status: criteria provided, single submitter. Criteria: ACMG Guidelines, 2015. Collection method: clinical testing. Allele origin: germline. Affected: no.

CeGaT Center for Human Genetics Tuebingen
Classification: Pathogenic. Last evaluated: 2021-01-01. Review status: criteria provided, single submitter. Criteria: CeGaT Center For Human Genetics Tuebingen Variant Classification Criteria Version 2. Collection method: clinical testing. Allele origin: germline. Affected: yes. Observed: 1 variant allele.

Neuberg Centre For Genomic Medicine, NCGM
Classification: Pathogenic for Lipid proteinosis. Review status: criteria provided, single submitter. Criteria: ACMG Guidelines, 2015. Collection method: clinical testing. Allele origin: germline. Inheritance: Autosomal recessive inheritance. Affected: yes.
Comment: The stop-gained variant c.157C>T (p.Arg53Ter) in the ECM1 gene has been reported in the homozygous state in individuals affected with lipoid proteinosis (Nasir et al., 2011; Akoglu et al., 2011). This variant is reported with the allele frequency (0.004%) in the gnomAD Exomes and novel (not in any individuals) in 1000 Genomes. It has been submitted to ClinVar as Pathogenic. This variant is predicted to cause a loss of normal protein function through protein truncation. Loss of function variants has been previously reported to be disease causing. For these reasons, this variant has been classified as Pathogenic. In the absence of another reportable variant, the molecular diagnosis is not confirmed.

OMIM
Classification: Pathogenic for LIPOID PROTEINOSIS OF URBACH AND WIETHE. Last evaluated: 2003-03-01. Review status: no assertion criteria provided. Collection method: literature only. Allele origin: germline. Not counted in ClinVar's aggregate classification.

Literature cited by the submitters: PubMed 12603844 (cited by OMIM).

NM_004425.4(ECM1):c.157C>T (p.Arg53Ter)

Gene: ECM1 (extracellular matrix protein 1; plus strand). Cytogenetic location: 1q21.2.
Variant type: single nucleotide variant.
Coding change: c.157C>T on transcript NM_004425.4 (MANE Select); coding-DNA position 157, C replaced by T.
Protein change: p.Arg53Ter; replaces arginine 53 with a stop codon.
Molecular consequence: nonsense.
Genome position (GRCh38, 1-based): chr1:150,509,696, C>T. VCF-style: chr1-150509696-C-T. GRCh37 (hg19) VCF-style: chr1-150482172-C-T.
Other names: c.157C>T, p.Arg53Ter (NM_001202858.2, NM_022664.3); short protein forms R53*.
Identifiers: ClinVar variation 7475 (VCV000007475.45), dbSNP rs121909115, ClinGen allele CA118817.